The following is an entry in ClinVar:

NM_032638.5(GATA2):c.322G>T (p.Ala108Ser)

Gene: GATA2 (GATA binding protein 2; minus strand). Cytogenetic location: 3q21.3.
Variant type: single nucleotide variant.
Coding change: c.322G>T on transcript NM_032638.5 (MANE Select); coding-DNA position 322, G replaced by T.
Protein change: p.Ala108Ser; replaces alanine 108 with serine.
Molecular consequence: missense variant.
Genome position (GRCh38, 1-based): chr3:128,486,276, C>A on the plus strand (G>T on the coding strand, the complement: GATA2 is on the minus strand). VCF-style: chr3-128486276-C-A. GRCh37 (hg19) VCF-style: chr3-128205119-C-A.
Other names: c.322G>T, p.Ala108Ser (NM_001145661.2, NM_001145662.1); short protein forms A108S.
Identifiers: ClinVar variation 2108836 (VCV002108836.4), dbSNP rs1435547673, ClinGen allele CA354407348.

ClinVar aggregate classification (germline): Uncertain significance (1 of 4 stars; one submission).

Conditions:
Deafness-lymphedema-leukemia syndrome. Also called: Emberger syndrome; Lymphedema, primary, with myelodysplasia. Identifiers: Orphanet 3226, MedGen C3279664, MONDO:0013540, OMIM 614038.
Monocytopenia with susceptibility to infections. Also called: IMMUNODEFICIENCY 21; GATA2 DEFICIENCY; MONOCYTOPENIA AND MYCOBACTERIAL INFECTION SYNDROME; MONOCYTOPENIA WITH SUSCEPTIBILITY TO MYCOBACTERIAL, FUNGAL, AND PAPILLOMAVIRUS INFECTIONS AND MYELODYSPLASIA; COMBINED IMMUNODEFICIENCY WITH SUSCEPTIBILITY TO MYCOBACTERIAL, VIRAL, AND FUNGAL INFECTIONS; Dendritic cell, monocyte, B lymphocyte, and natural killer lymphocyte deficiency. Identifiers: Orphanet 228423, MedGen C3280030, MONDO:0013607, OMIM 614172.

Submission:

Labcorp Genetics (formerly Invitae), Labcorp
Classification: Uncertain significance for Monocytopenia with susceptibility to infections; Deafness-lymphedema-leukemia syndrome. Last evaluated: 2025-02-10. Review status: criteria provided, single submitter. Criteria: Invitae Variant Classification Sherloc (09022015). Collection method: clinical testing. Allele origin: germline.
Comment: This sequence change replaces alanine, which is neutral and non-polar, with serine, which is neutral and polar, at codon 108 of the GATA2 protein (p.Ala108Ser). This variant is not present in population databases (gnomAD no frequency). This variant has not been reported in the literature in individuals affected with GATA2-related conditions. ClinVar contains an entry for this variant (Variation ID: 2108836). Invitae Evidence Modeling of protein sequence and biophysical properties (such as structural, functional, and spatial information, amino acid conservation, physicochemical variation, residue mobility, and thermodynamic stability) indicates that this missense variant is not expected to disrupt GATA2 protein function with a negative predictive value of 95%. In summary, the available evidence is currently insufficient to determine the role of this variant in disease. Therefore, it has been classified as a Variant of Uncertain Significance.